The following is an entry in ClinVar:

NM_000535.7(PMS2):c.1357A>T (p.Met453Leu)

Gene: PMS2 (PMS1 homolog 2, mismatch repair system component; minus strand). Cytogenetic location: 7p22.1.
Variant type: single nucleotide variant.
Coding change: c.1357A>T on transcript NM_000535.7 (MANE Select); coding-DNA position 1357, A replaced by T.
Protein change: p.Met453Leu; replaces methionine 453 with leucine.
Molecular consequence: missense variant. On other transcripts: non-coding transcript variant (1).
Genome position (GRCh38, 1-based): chr7:5,987,408, T>A on the plus strand (A>T on the coding strand, the complement: PMS2 is on the minus strand). VCF-style: chr7-5987408-T-A. GRCh37 (hg19) VCF-style: chr7-6027039-T-A.
Other names: c.952A>T, p.Met318Leu (NM_001018040.1, NM_001322003.2, NM_001322004.2 and 17 more transcripts); c.1201A>T, p.Met401Leu (NM_001322006.2, NM_001406870.1); c.1039A>T, p.Met347Leu (NM_001322007.2, NM_001322008.2, NM_001406903.1 and 2 more transcripts); c.796A>T, p.Met266Leu (NM_001322010.2, NM_001406906.1, NM_001406907.1); c.424A>T, p.Met142Leu (NM_001322011.2, NM_001322012.2); c.784A>T, p.Met262Leu (NM_001322013.2, NM_001406909.1); c.1357A>T, p.Met453Leu (NM_001322014.2, NM_001406871.1, NM_001406872.1); c.1048A>T, p.Met350Leu (NM_001322015.2, NM_001406875.1, NM_001406877.1 and 5 more transcripts); and 12 more; short protein forms M142L, M196L, M347L, M350L, M453L, M461L, M262L, M345L.
Identifiers: ClinVar variation 1770723 (VCV001770723.8), dbSNP rs587780722, ClinGen allele CA366742263.

ClinVar aggregate classification (germline): Conflicting classifications of pathogenicity. Review status: criteria provided, conflicting classifications (1 of 4 stars). 2 submissions from 2 submitters: Uncertain significance (1); Likely benign (1). Last evaluated 2026-08-13.

Conditions:
Hereditary cancer-predisposing syndrome. Also called: Hereditary Cancer Syndrome; Hereditary neoplastic syndrome; Neoplastic Syndromes, Hereditary; Tumor predisposition. Identifiers: Orphanet 140162, MedGen C0027672, MeSH D009386, MONDO:0015356.
Hereditary nonpolyposis colorectal neoplasms. Identifiers: MedGen C0009405, MeSH D003123.

Submissions (2):

Ambry Genetics
Classification: Likely benign for Hereditary cancer-predisposing syndrome. Last evaluated: 2026-08-13. Review status: criteria provided, single submitter. Criteria: Ambry Variant Classification Scheme 2023. Collection method: clinical testing. Allele origin: germline.

Labcorp Genetics (formerly Invitae), Labcorp
Classification: Uncertain significance for Hereditary nonpolyposis colorectal neoplasms. Last evaluated: 2022-05-02. Review status: criteria provided, single submitter. Criteria: Invitae Variant Classification Sherloc (09022015). Collection method: clinical testing. Allele origin: germline.
Comment: This sequence change replaces methionine, which is neutral and non-polar, with leucine, which is neutral and non-polar, at codon 453 of the PMS2 protein (p.Met453Leu). This variant is not present in population databases (gnomAD no frequency). In summary, the available evidence is currently insufficient to determine the role of this variant in disease. Therefore, it has been classified as a Variant of Uncertain Significance. Advanced modeling of protein sequence and biophysical properties (such as structural, functional, and spatial information, amino acid conservation, physicochemical variation, residue mobility, and thermodynamic stability) performed at Invitae indicates that this missense variant is not expected to disrupt PMS2 protein function. This variant has not been reported in the literature in individuals affected with PMS2-related conditions.